The following is an entry in ClinVar:

ClinVar aggregate classification (germline): Uncertain significance. Review status: criteria provided, multiple submitters, no conflicts (2 of 4 stars). 2 submissions from 2 submitters: Uncertain significance (2). Last evaluated 2026-01-12.

Conditions:
Cardiovascular phenotype. Identifiers: MedGen CN230736.
Long QT syndrome (LQTS). Identifiers: MedGen C0023976, MeSH D008133, MONDO:0002442. Disease mechanism: loss of function. Inheritance: Various modes of inheritance.

Allele frequency attached by ClinVar (database versions not stated): gnomAD exomes below 0.00001.

Submissions (2):

Labcorp Genetics (formerly Invitae), Labcorp
Classification: Uncertain significance for Long QT syndrome. Last evaluated: 2026-01-12. Review status: criteria provided, single submitter. Criteria: Invitae Variant Classification Sherloc (09022015). Collection method: clinical testing. Allele origin: germline.
Comment: This sequence change replaces methionine, which is neutral and non-polar, with threonine, which is neutral and polar, at codon 1115 of the KCNH2 protein (p.Met1115Thr). This variant is present in population databases (rs753274350, gnomAD 0.004%). This variant has not been reported in the literature in individuals affected with KCNH2-related conditions. ClinVar contains an entry for this variant (Variation ID: 1730447). An algorithm developed to predict the effect of missense changes on protein structure and function (PolyPhen-2) suggests that this variant is likely to be tolerated. In summary, the available evidence is currently insufficient to determine the role of this variant in disease. Therefore, it has been classified as a Variant of Uncertain Significance.

Ambry Genetics
Classification: Uncertain significance for Cardiovascular phenotype. Last evaluated: 2021-08-04. Review status: criteria provided, single submitter. Criteria: Ambry Variant Classification Scheme 2023. Collection method: clinical testing. Allele origin: germline.
Comment: The p.M1115T variant (also known as c.3344T>C), located in coding exon 15 of the KCNH2 gene, results from a T to C substitution at nucleotide position 3344. The methionine at codon 1115 is replaced by threonine, an amino acid with similar properties, and is located in the cytoplasmic C-terminal region. This amino acid position is not well conserved in available vertebrate species. In addition, the in silico prediction for this alteration is inconclusive. Since supporting evidence is limited at this time, the clinical significance of this alteration remains unclear.

NM_000238.4(KCNH2):c.3344T>C (p.Met1115Thr)

Gene: KCNH2 (potassium voltage-gated channel subfamily H member 2; minus strand). Cytogenetic location: 7q36.1.
Variant type: single nucleotide variant.
Coding change: c.3344T>C on transcript NM_000238.4 (MANE Select); coding-DNA position 3344, T replaced by C.
Protein change: p.Met1115Thr; replaces methionine 1115 with threonine.
Molecular consequence: missense variant.
Genome position (GRCh38, 1-based): chr7:150,945,501, A>G on the plus strand (T>C on the coding strand, the complement: KCNH2 is on the minus strand). VCF-style: chr7-150945501-A-G. GRCh37 (hg19) VCF-style: chr7-150642589-A-G.
Other names: c.3056T>C, p.Met1019Thr (NM_001406753.1); c.2324T>C, p.Met775Thr (NM_172057.3); short protein forms M775T, M1019T, M1115T.
Identifiers: ClinVar variation 1730447 (VCV001730447.3), dbSNP rs753274350, ClinGen allele CA038742.
Genomic context (GRCh38, chr7:150,945,501, plus strand): 5'-CGTCGTGTGGGGCCTTCTTGGGGAAGCTCTGGGGCCCCCGGGGGCAGCTCCTCACACGCC[A>G]TGAACTGGGAAACCTGCAATACACACAGAGCATGGGCAGGCGAAGAGGCCATGGAGGAGG-3'
Protein context (NP_000229.1, residues 1105-1125): LDSLSQVSQF[Met1115Thr]ACEELPPGAP